The following is an entry in ClinVar:

NM_004431.5(EPHA2):c.2671G>A (p.Val891Met)

Gene: EPHA2 (EPH receptor A2; minus strand). Cytogenetic location: 1p36.13.
Variant type: single nucleotide variant.
Coding change: c.2671G>A on transcript NM_004431.5 (MANE Select); coding-DNA position 2671, G replaced by A.
Protein change: p.Val891Met; replaces valine 891 with methionine.
Molecular consequence: missense variant.
Genome position (GRCh38, 1-based): chr1:16,129,588, C>T on the plus strand (G>A on the coding strand, the complement: EPHA2 is on the minus strand). VCF-style: chr1-16129588-C-T. GRCh37 (hg19) VCF-style: chr1-16456083-C-T.
Other names: c.2509G>A, p.Val837Met (NM_001329090.2); short protein forms V837M, V891M.
Identifiers: ClinVar variation 873862 (VCV000873862.4), dbSNP rs139168333, ClinGen allele CA624754.
Genomic context (GRCh38, chr1:16,129,588, plus strand): 5'-CGGACACCGTGCGGAAGGGCACCCCCTCCGAGCCGCTCGTGCTGGGGAGCCGGATAGACA[C>T]GCTGCAACAGGAAGCACTGCAGGTGAGGGGCTGCAGCACCCAGTCCACCCTGGGCCCTGC-3'
Protein context (NP_004422.2, residues 881-901): LKTLADFDPR[Val891Met]SIRLPSTSGS

ClinVar aggregate classification (germline): Likely benign (1 of 4 stars; one submission).

Conditions:
Cataract 6 multiple types. Also called: CATARACT 6, POSTERIOR POLAR; CATARACT 6, CONGENITAL TOTAL; CATARACT, AGE-RELATED CORTICAL, 2. Identifiers: Orphanet 91492, MedGen C1861825, MONDO:0007288, OMIM 116600.

Allele frequency attached by ClinVar (database versions not stated): ExAC 0.00007; gnomAD exomes 0.00009 and 0.00010; gnomAD 0.00010 and 0.00011; TOPMed 0.00011; 1000 Genomes Project 30x 0.00016; 1000 Genomes Project 0.00020; ESP Exome Variant Server 0.00023.
gnomAD v4.1: 159 of 1,609,378 alleles (0.0099%); highest among the groups gnomAD compares: East Asian, 0.02%; no homozygotes.

Submission:

Illumina Laboratory Services, Illumina
Classification: Likely benign for Cataract 6 multiple types. Last evaluated: 2018-01-13. Review status: criteria provided, single submitter. Criteria: ICSL Variant Classification Criteria 13 December 2019. Collection method: clinical testing. Allele origin: germline.
Comment: This variant was observed in the ICSL laboratory as part of a predisposition screen in an ostensibly healthy population. It had not been previously curated by ICSL or reported in the Human Gene Mutation Database (HGMD: prior to June 1st, 2018), and was therefore a candidate for classification through an automated scoring system. Utilizing variant allele frequency, disease prevalence and penetrance estimates, and inheritance mode, an automated score was calculated to assess if this variant is too frequent to cause the disease. Based on the score and internal cut-off values, a variant classified as likely benign is not then subjected to further curation. The score for this variant resulted in a classification of likely benign for this disease.